The following is an entry in ClinVar:

NM_182493.3(MYLK3):c.164G>C (p.Arg55Pro)

Gene: MYLK3 (myosin light chain kinase 3; minus strand). Cytogenetic location: 16q11.2.
Variant type: single nucleotide variant.
Coding change: c.164G>C on transcript NM_182493.3 (MANE Select); coding-DNA position 164, G replaced by C.
Protein change: p.Arg55Pro; replaces arginine 55 with proline.
Molecular consequence: missense variant. On other transcripts: intron variant (1).
Genome position (GRCh38, 1-based): chr16:46,748,030, C>G on the plus strand (G>C on the coding strand, the complement: MYLK3 is on the minus strand). VCF-style: chr16-46748030-C-G. GRCh37 (hg19) VCF-style: chr16-46781942-C-G.
Other names: c.-113-7883G>C (NM_001308301.1); short protein forms R55P.
Identifiers: ClinVar variation 1474614 (VCV001474614.6), dbSNP rs561120067, ClinGen allele CA8038313.

ClinVar aggregate classification (germline): Uncertain significance (1 of 4 stars; one submission).

Submission:

Labcorp Genetics (formerly Invitae), Labcorp
Classification: Uncertain significance. Last evaluated: 2025-07-24. Review status: criteria provided, single submitter. Criteria: Invitae Variant Classification Sherloc (09022015). Collection method: clinical testing. Allele origin: germline.
Comment: This sequence change replaces arginine, which is basic and polar, with proline, which is neutral and non-polar, at codon 55 of the MYLK3 protein (p.Arg55Pro). This variant is present in population databases (rs561120067, gnomAD 0.01%). This variant has not been reported in the literature in individuals affected with MYLK3-related conditions. ClinVar contains an entry for this variant (Variation ID: 1474614). An algorithm developed to predict the effect of missense changes on protein structure and function (PolyPhen-2) suggests that this variant is likely to be disruptive. In summary, the available evidence is currently insufficient to determine the role of this variant in disease. Therefore, it has been classified as a Variant of Uncertain Significance.